The following is an entry in ClinVar:

NM_032608.7(MYO18B):c.1622C>T (p.Ala541Val)

Gene: MYO18B (myosin XVIIIB; plus strand). Cytogenetic location: 22q12.1.
Variant type: single nucleotide variant.
Coding change: c.1622C>T on transcript NM_032608.7 (MANE Select); coding-DNA position 1622, C replaced by T.
Protein change: p.Ala541Val; replaces alanine 541 with valine.
Molecular consequence: missense variant.
Genome position (GRCh38, 1-based): chr22:25,770,914, C>T. VCF-style: chr22-25770914-C-T. GRCh37 (hg19) VCF-style: chr22-26166881-C-T.
Other names: c.1622C>T (NM_032608.5); c.1622C>T, p.Ala541Val (NM_001318245.2); short protein forms A541V.
Identifiers: ClinVar variation 1357089 (VCV001357089.4), dbSNP rs1319533946, ClinGen allele CA411005629.

ClinVar aggregate classification (germline): Uncertain significance. Review status: criteria provided, multiple submitters, no conflicts (2 of 4 stars). 2 submissions from 2 submitters: Uncertain significance (2). Last evaluated 2023-02-15.

Conditions:
Inborn genetic diseases. Identifiers: MedGen C0950123, MeSH D030342.

Allele frequency attached by ClinVar (database versions not stated): gnomAD exomes 0.00001; TOPMed 0.00001.
gnomAD v4.1: 6 of 1,552,160 alleles (0.00039%); highest among the groups gnomAD compares: Admixed American, 0.0098%; no homozygotes.

Submissions (2):

Ambry Genetics
Classification: Uncertain significance for Inborn genetic diseases. Last evaluated: 2023-02-15. Review status: criteria provided, single submitter. Criteria: Ambry Variant Classification Scheme 2023. Collection method: clinical testing. Allele origin: germline.

Labcorp Genetics (formerly Invitae), Labcorp
Classification: Uncertain significance. Last evaluated: 2022-02-02. Review status: criteria provided, single submitter. Criteria: Invitae Variant Classification Sherloc (09022015). Collection method: clinical testing. Allele origin: germline.
Comment: This sequence change replaces alanine, which is neutral and non-polar, with valine, which is neutral and non-polar, at codon 541 of the MYO18B protein (p.Ala541Val). This variant is present in population databases (no rsID available, gnomAD 0.008%). This variant has not been reported in the literature in individuals affected with MYO18B-related conditions. Algorithms developed to predict the effect of missense changes on protein structure and function are either unavailable or do not agree on the potential impact of this missense change (SIFT: "Not Available"; PolyPhen-2: "Benign"; Align-GVGD: "Not Available"). In summary, the available evidence is currently insufficient to determine the role of this variant in disease. Therefore, it has been classified as a Variant of Uncertain Significance.